The following is an entry in ClinVar:

NM_024675.4(PALB2):c.3277A>G (p.Ile1093Val)

Gene: PALB2 (partner and localizer of BRCA2; minus strand). Cytogenetic location: 16p12.2.
Variant type: single nucleotide variant.
Coding change: c.3277A>G on transcript NM_024675.4 (MANE Select); coding-DNA position 3277, A replaced by G.
Protein change: p.Ile1093Val; replaces isoleucine 1093 with valine.
Molecular consequence: missense variant.
Genome position (GRCh38, 1-based): chr16:23,607,937, T>C on the plus strand (A>G on the coding strand, the complement: PALB2 is on the minus strand). VCF-style: chr16-23607937-T-C. GRCh37 (hg19) VCF-style: chr16-23619258-T-C.
Other names: short protein forms I1093V.
Identifiers: ClinVar variation 639359 (VCV000639359.11), dbSNP rs1597066812, ClinGen allele CA395139636.

ClinVar aggregate classification (germline): Conflicting classifications of pathogenicity. Review status: criteria provided, conflicting classifications (1 of 4 stars). 3 submissions from 3 submitters: Uncertain significance (2); Likely benign (1). Last evaluated 2023-12-19.

Conditions:
Hereditary cancer-predisposing syndrome. Also called: Neoplastic Syndromes, Hereditary; Tumor predisposition; Hereditary Cancer Syndrome; Hereditary neoplastic syndrome. Identifiers: Orphanet 140162, MedGen C0027672, MeSH D009386, MONDO:0015356.
Familial cancer of breast. Also called: BREAST CANCER, FAMILIAL; hereditary breast carcinoma; Hereditary breast cancer. Identifiers: Orphanet 227535, MedGen C0346153, MONDO:0016419, OMIM 114480. Disease mechanism: loss of function.

Allele frequency attached by ClinVar (database versions not stated): gnomAD exomes below 0.00001; TOPMed below 0.00001.
gnomAD v4.1: 3 of 1,614,064 alleles (0.00019%); highest among the groups gnomAD compares: Non-Finnish European, 0.00025%; no homozygotes.

Submissions (3):

Ambry Genetics
Classification: Likely benign for Hereditary cancer-predisposing syndrome. Last evaluated: 2023-12-19. Review status: criteria provided, single submitter. Criteria: Ambry Variant Classification Scheme 2023. Collection method: clinical testing. Allele origin: germline.

Baylor Genetics
Classification: Uncertain significance for Familial cancer of breast. Last evaluated: 2023-08-30. Review status: criteria provided, single submitter. Criteria: ACMG Guidelines, 2015. Collection method: clinical testing. Allele origin: unknown.

Labcorp Genetics (formerly Invitae), Labcorp
Classification: Uncertain significance for Familial cancer of breast. Last evaluated: 2023-04-08. Review status: criteria provided, single submitter. Criteria: Invitae Variant Classification Sherloc (09022015). Collection method: clinical testing. Allele origin: germline.
Comment: In summary, the available evidence is currently insufficient to determine the role of this variant in disease. Therefore, it has been classified as a Variant of Uncertain Significance. Algorithms developed to predict the effect of missense changes on protein structure and function output the following: SIFT: "Not Available"; PolyPhen-2: "Benign"; Align-GVGD: "Not Available". The valine amino acid residue is found in multiple mammalian species, which suggests that this missense change does not adversely affect protein function. ClinVar contains an entry for this variant (Variation ID: 639359). This variant has not been reported in the literature in individuals affected with PALB2-related conditions. This variant is not present in population databases (gnomAD no frequency). This sequence change replaces isoleucine, which is neutral and non-polar, with valine, which is neutral and non-polar, at codon 1093 of the PALB2 protein (p.Ile1093Val).

Literature cited by the submitters: PubMed 31742824 (cited by Ambry Genetics).